The following is an entry in ClinVar:

ClinVar aggregate classification (germline): Likely benign (1 of 4 stars; one submission).

Conditions:
PROK2-related disorder. Also called: PROK2-related condition.

gnomAD v4.1: 11 of 1,245,264 alleles (0.00088%); highest among the groups gnomAD compares: Admixed American, 0.046%; no homozygotes.

Submission:

PreventionGenetics, part of Exact Sciences
Classification: Likely benign for PROK2-related condition. Last evaluated: 2024-11-18. Review status: criteria provided, single submitter. Criteria: ACMG Guidelines, 2015. Collection method: clinical testing. Allele origin: germline.
Comment: This variant is classified as likely benign based on ACMG/AMP sequence variant interpretation guidelines (Richards et al. 2015 PMID: 25741868, with internal and published modifications).

NM_001126128.2(PROK2):c.27C>T (p.Leu9=)

Gene: PROK2 (prokineticin 2; minus strand). Cytogenetic location: 3p13.
Variant type: single nucleotide variant.
Coding change: c.27C>T on transcript NM_001126128.2 (MANE Select); coding-DNA position 27, C replaced by T.
Protein change: p.Leu9=; no amino-acid change (leucine 9 retained).
Molecular consequence: synonymous variant.
Genome position (GRCh38, 1-based): chr3:71,785,026, G>A on the plus strand (C>T on the coding strand, the complement: PROK2 is on the minus strand). VCF-style: chr3-71785026-G-A. GRCh37 (hg19) VCF-style: chr3-71834177-G-A.
Other names: c.27C>T, p.Leu9= (NM_021935.4).
Identifiers: ClinVar variation 4978752 (VCV004978752.1).